The following is an entry in ClinVar:

NM_020163.3(SEMA3G):c.252C>G (p.Asp84Glu)

Gene: SEMA3G (semaphorin 3G; minus strand). Cytogenetic location: 3p21.1.
Variant type: single nucleotide variant.
Coding change: c.252C>G on transcript NM_020163.3 (MANE Select); coding-DNA position 252, C replaced by G.
Protein change: p.Asp84Glu; replaces aspartic acid 84 with glutamic acid.
Molecular consequence: missense variant.
Genome position (GRCh38, 1-based): chr3:52,442,771, G>C on the plus strand (C>G on the coding strand, the complement: SEMA3G is on the minus strand). VCF-style: chr3-52442771-G-C. GRCh37 (hg19) VCF-style: chr3-52476787-G-C.
Other names: c.252C>G (NM_020163.2); short protein forms D84E.
Identifiers: ClinVar variation 2492199 (VCV002492199.3), dbSNP rs1023176474, ClinGen allele CA74768452.

ClinVar aggregate classification (germline): Uncertain significance. Review status: criteria provided, single submitter (1 of 4 stars). 2 submissions from 2 submitters: Uncertain significance (1). 1 of the submissions does not count toward it. Last evaluated 2023-03-01.

Conditions:
SEMA3G-related disorder. Also called: SEMA3G-related condition.

Allele frequency attached by ClinVar (database versions not stated): gnomAD 0.00001; gnomAD exomes 0.00001; TOPMed 0.00001.
gnomAD v4.1: 13 of 1,613,876 alleles (0.00081%); highest among the groups gnomAD compares: Non-Finnish European, 0.0011%; no homozygotes.

Submissions (2):

Ambry Genetics
Classification: Uncertain significance. Last evaluated: 2023-03-01. Review status: criteria provided, single submitter. Criteria: Ambry Variant Classification Scheme 2023. Collection method: clinical testing. Allele origin: germline.

PreventionGenetics, part of Exact Sciences
Classification: Uncertain significance for SEMA3G-related condition. Last evaluated: 2024-05-21. Review status: no assertion criteria provided. Collection method: clinical testing. Allele origin: germline. Not counted in ClinVar's aggregate classification.
Comment: The SEMA3G c.252C>G variant is predicted to result in the amino acid substitution p.Asp84Glu. To our knowledge, this variant has not been reported in the literature. This variant is reported in 0.0065% of alleles in individuals of European (Non-Finnish) descent in gnomAD. At this time, the clinical significance of this variant is uncertain due to the absence of conclusive functional and genetic evidence.